The following is an entry in ClinVar:

NM_000038.6(APC):c.7319A>T (p.Gln2440Leu)

Gene: APC (APC regulator of Wnt signaling pathway; plus strand). Cytogenetic location: 5q22.2.
Variant type: single nucleotide variant.
Coding change: c.7319A>T on transcript NM_000038.6 (MANE Select); coding-DNA position 7319, A replaced by T.
Protein change: p.Gln2440Leu; replaces glutamine 2440 with leucine.
Molecular consequence: missense variant. On other transcripts: non-coding transcript variant (2).
Genome position (GRCh38, 1-based): chr5:112,842,913, A>T. VCF-style: chr5-112842913-A-T. GRCh37 (hg19) VCF-style: chr5-112178610-A-T.
Other names: c.6167A>T, p.Gln2056Leu (NM_001407471.1, NM_001407472.1); c.7319A>T, p.Gln2440Leu (NM_001127510.3, NM_001354895.2, NM_001407450.1); c.7265A>T, p.Gln2422Leu (NM_001127511.3); c.7373A>T, p.Gln2458Leu (NM_001354896.2, NM_001407447.1, NM_001407448.1 and 1 more transcripts); c.7349A>T, p.Gln2450Leu (NM_001354897.2); c.7244A>T, p.Gln2415Leu (NM_001354898.2); c.7235A>T, p.Gln2412Leu (NM_001354899.2); c.7196A>T, p.Gln2399Leu (NM_001354900.2); and 11 more; short protein forms Q2381L, Q2415L, Q2440L, Q2458L, Q2056L, Q2280L, Q2357L, Q2399L.
Identifiers: ClinVar variation 4825033 (VCV004825033.1).
Genomic context (GRCh38, chr5:112,842,913, plus strand): 5'-CTTCAACTAAATCAAGTGGAAGTGAATCTGATAGATCAGAAAGACCTGTATTAGTACGCC[A>T]GTCAACTTTCATCAAAGAAGCTCCAAGCCCAACCTTAAGAAGAAAATTGGAGGAATCTGC-3'
Protein context (NP_000029.2, residues 2430-2450): DRSERPVLVR[Gln2440Leu]STFIKEAPSP

ClinVar aggregate classification (germline): Uncertain significance (1 of 4 stars; one submission).

Conditions:
Hereditary cancer-predisposing syndrome. Also called: Neoplastic Syndromes, Hereditary; Tumor predisposition; Hereditary Cancer Syndrome; Hereditary neoplastic syndrome. Identifiers: Orphanet 140162, MedGen C0027672, MeSH D009386, MONDO:0015356.

Submission:

Ambry Genetics
Classification: Uncertain significance for Hereditary cancer-predisposing syndrome. Last evaluated: 2026-01-20. Review status: criteria provided, single submitter. Criteria: Ambry Variant Classification Scheme 2023. Collection method: clinical testing. Allele origin: germline.
Comment: The p.Q2440L variant (also known as c.7319A>T), located in coding exon 15 of the APC gene, results from an A to T substitution at nucleotide position 7319. The glutamine at codon 2440 is replaced by leucine, an amino acid with dissimilar properties. This amino acid position is conserved. In addition, in silico predictors for this gene do not accurately predict pathogenicity. Based on the available evidence, the clinical significance of this variant remains unclear.